The following is an entry in ClinVar:

NM_206933.4(USH2A):c.7275_7276delinsAG (p.Ile2426Val)

Gene: USH2A (usherin; minus strand). Cytogenetic location: 1q41.
Variant type: Indel.
Coding change: c.7275_7276delinsAG on transcript NM_206933.4 (MANE Select); coding-DNA positions 7275 to 7276, TA replaced by AG.
Protein change: p.Ile2426Val; replaces isoleucine 2426 with valine.
Molecular consequence: missense variant.
Genome position (GRCh38, 1-based): chr1:215,934,640-215,934,641, TA replaced by CT on the plus strand (TA replaced by AG on the coding strand, the reverse complement: USH2A is on the minus strand). VCF-style: chr1-215934640-TA-CT. GRCh37 (hg19) VCF-style: chr1-216107982-TA-CT.
Other names: short protein forms I2426V.
Identifiers: ClinVar variation 2791333 (VCV002791333.3), dbSNP rs2464889197, ClinGen allele CA2739275597.
Genomic context (GRCh38, chr1:215,934,640, plus strand): 5'-TATAAAATTAGATAGCCAACATTTGCATAGACTTACCTCCTGGAGGCATTGCAATTGTTA[TA>CT]GGATCAGTTATCAAGCTGCCTTGGCTATTTGAAATATTCACTTGTACAGTATAGTTGGTA-3'
Protein context (NP_996816.3, residues 2416-2436): NSQGSLITDP[Ile2426Val]TIAMPPGAPD

ClinVar aggregate classification (germline): Uncertain significance (1 of 4 stars; one submission).

Submission:

Labcorp Genetics (formerly Invitae), Labcorp
Classification: Uncertain significance. Last evaluated: 2024-01-02. Review status: criteria provided, single submitter. Criteria: Invitae Variant Classification Sherloc (09022015). Collection method: clinical testing. Allele origin: germline.
Comment: This sequence change replaces isoleucine, which is neutral and non-polar, with valine, which is neutral and non-polar, at codon 2426 of the USH2A protein (p.Ile2426Val). Information on the frequency of this variant in the gnomAD database is not available, as this variant may be reported differently in the database. This variant has not been reported in the literature in individuals affected with USH2A-related conditions. Experimental studies and prediction algorithms are not available or were not evaluated, and the functional significance of this variant is currently unknown. In summary, the available evidence is currently insufficient to determine the role of this variant in disease. Therefore, it has been classified as a Variant of Uncertain Significance.